The following is an entry in ClinVar:

ClinVar aggregate classification (germline): Uncertain significance. Review status: criteria provided, multiple submitters, no conflicts (2 of 4 stars). 4 submissions from 4 submitters: Uncertain significance (3). 1 of the submissions does not count toward it. Last evaluated 2025-10-22.

Conditions:
MHC class II deficiency. Also called: Bare lymphocyte syndrome 2; BLS, TYPE II. Identifiers: Orphanet 572, MedGen C5447452, MONDO:0008855.
Rheumatoid arthritis (RA). Also called: RHEUMATOID ARTHRITIS, SUSCEPTIBILITY TO. Identifiers: MedGen C0003873, MONDO:0008383, OMIM 180300, HP:0001370.
Inborn genetic diseases. Identifiers: MedGen C0950123, MeSH D030342.

Allele frequency attached by ClinVar (database versions not stated): TOPMed 0.00005; ESP Exome Variant Server 0.00008.
gnomAD v4.1: 182 of 1,614,116 alleles (0.011%); highest among the groups gnomAD compares: Non-Finnish European, 0.015%; no homozygotes.

Submissions (4):

Ambry Genetics
Classification: Uncertain significance for Inborn genetic diseases. Last evaluated: 2025-10-22. Review status: criteria provided, single submitter. Criteria: Ambry Variant Classification Scheme 2023. Collection method: clinical testing. Allele origin: germline.

Fulgent Genetics
Classification: Uncertain significance for Rheumatoid arthritis; MHC class II deficiency 1. Last evaluated: 2021-09-28. Review status: criteria provided, single submitter. Criteria: ACMG Guidelines, 2015. Collection method: clinical testing. Allele origin: unknown.

Labcorp Genetics (formerly Invitae), Labcorp
Classification: Uncertain significance for MHC class II deficiency. Last evaluated: 2021-08-28. Review status: criteria provided, single submitter. Criteria: Invitae Variant Classification Sherloc (09022015). Collection method: clinical testing. Allele origin: germline.
Comment: This sequence change replaces glutamic acid with glutamine at codon 705 of the CIITA protein (p.Glu705Gln). The glutamic acid residue is weakly conserved and there is a small physicochemical difference between glutamic acid and glutamine. This variant is present in population databases (rs143304499, ExAC 0.01%). This variant has not been reported in the literature in individuals affected with CIITA-related conditions. Algorithms developed to predict the effect of missense changes on protein structure and function output the following: SIFT: "Tolerated"; PolyPhen-2: "Benign"; Align-GVGD: "Class C0". The glutamine amino acid residue is found in multiple mammalian species, which suggests that this missense change does not adversely affect protein function. In summary, the available evidence is currently insufficient to determine the role of this variant in disease. Therefore, it has been classified as a Variant of Uncertain Significance.

Natera, Inc.
Classification: Uncertain significance for Bare lymphocyte syndrome type II. Last evaluated: 2020-02-21. Review status: no assertion criteria provided. Collection method: clinical testing. Allele origin: germline. Not counted in ClinVar's aggregate classification.

NM_000246.4(CIITA):c.2113G>C (p.Glu705Gln)

Gene: CIITA (class II major histocompatibility complex transactivator; plus strand). Cytogenetic location: 16p13.13.
Variant type: single nucleotide variant.
Coding change: c.2113G>C on transcript NM_000246.4 (MANE Select); coding-DNA position 2113, G replaced by C.
Protein change: p.Glu705Gln; replaces glutamic acid 705 with glutamine.
Molecular consequence: missense variant. On other transcripts: intron variant (1).
Genome position (GRCh38, 1-based): chr16:10,907,605, G>C. VCF-style: chr16-10907605-G-C. GRCh37 (hg19) VCF-style: chr16-11001462-G-C.
Other names: c.2116G>C, p.Glu706Gln (NM_001286402.1, NM_001379332.1); c.1969G>C, p.Glu657Gln (NM_001379330.1); c.1966G>C, p.Glu656Gln (NM_001379331.1); c.2113G>C, p.Glu705Gln (NM_001379333.1); c.2044G>C, p.Glu682Gln (NM_001379334.1); c.860-1378G>C (NM_001286403.2); short protein forms E657Q, E682Q, E706Q, E656Q, E705Q.
Identifiers: ClinVar variation 934511 (VCV000934511.15), dbSNP rs143304499, ClinGen allele CA7900302.